The following is an entry in ClinVar:

NM_018942.3(HMX1):c.418A>G (p.Thr140Ala)

Gene: HMX1 (H6 family homeobox 1; minus strand). Cytogenetic location: 4p16.1.
Variant type: single nucleotide variant.
Coding change: c.418A>G on transcript NM_018942.3 (MANE Select); coding-DNA position 418, A replaced by G.
Protein change: p.Thr140Ala; replaces threonine 140 with alanine.
Molecular consequence: missense variant. On other transcripts: intron variant (1).
Genome position (GRCh38, 1-based): chr4:8,868,322, T>C on the plus strand (A>G on the coding strand, the complement: HMX1 is on the minus strand). VCF-style: chr4-8868322-T-C. GRCh37 (hg19) VCF-style: chr4-8870048-T-C.
Other names: c.394+2899A>G (NM_001306142.2); short protein forms T140A.
Identifiers: ClinVar variation 835635 (VCV000835635.9), dbSNP rs1722097876, ClinGen allele CA356278655.

ClinVar aggregate classification (germline): Uncertain significance (1 of 4 stars; one submission).

Submission:

Labcorp Genetics (formerly Invitae), Labcorp
Classification: Uncertain significance. Last evaluated: 2020-08-25. Review status: criteria provided, single submitter. Criteria: Invitae Variant Classification Sherloc (09022015). Collection method: clinical testing. Allele origin: germline.
Comment: This sequence change replaces threonine with alanine at codon 140 of the HMX1 protein (p.Thr140Ala). The threonine residue is moderately conserved and there is a small physicochemical difference between threonine and alanine. The frequency data for this variant in the population databases is considered unreliable, as metrics indicate insufficient coverage at this position in the ExAC database. This variant has not been reported in the literature in individuals with HMX1-related conditions. Algorithms developed to predict the effect of missense changes on protein structure and function output the following: SIFT: "Tolerated"; PolyPhen-2: "Benign"; Align-GVGD: "Class C0". The alanine amino acid residue is found in multiple mammalian species, suggesting that this missense change does not adversely affect protein function. These predictions have not been confirmed by published functional studies and their clinical significance is uncertain. In summary, the available evidence is currently insufficient to determine the role of this variant in disease. Therefore, it has been classified as a Variant of Uncertain Significance.